The following is an entry in ClinVar:

NM_004656.4(BAP1):c.1785C>T (p.Ser595=)

Gene: BAP1 (BRCA1 associated deubiquitinase 1; minus strand). Cytogenetic location: 3p21.1.
Variant type: single nucleotide variant.
Coding change: c.1785C>T on transcript NM_004656.4 (MANE Select); coding-DNA position 1785, C replaced by T.
Protein change: p.Ser595=; no amino-acid change (serine 595 retained).
Molecular consequence: synonymous variant.
Genome position (GRCh38, 1-based): chr3:52,403,243, G>A on the plus strand (C>T on the coding strand, the complement: BAP1 is on the minus strand). VCF-style: chr3-52403243-G-A. GRCh37 (hg19) VCF-style: chr3-52437259-G-A.
Identifiers: ClinVar variation 753414 (VCV000753414.12), dbSNP rs1578219813, ClinGen allele CA433885971.

ClinVar aggregate classification (germline): Benign/Likely benign. Review status: criteria provided, multiple submitters, no conflicts (2 of 4 stars). 3 submissions from 3 submitters: Benign (1); Likely benign (2). Last evaluated 2024-11-05.

Conditions:
BAP1-related tumor predisposition syndrome (TPDS1). Also called: Tumor susceptibility linked to germline BAP1 mutations; BAP1 tumor predisposition syndrome; COMMON Syndrome; TUMOR PREDISPOSITION SYNDROME 1. Identifiers: Orphanet 289539, MedGen C3280492, MONDO:0013692, OMIM 614327.
Hereditary cancer-predisposing syndrome. Also called: Hereditary Cancer Syndrome; Hereditary neoplastic syndrome; Neoplastic Syndromes, Hereditary; Tumor predisposition. Identifiers: Orphanet 140162, MedGen C0027672, MeSH D009386, MONDO:0015356.

Submissions (3):

Labcorp Genetics (formerly Invitae), Labcorp
Classification: Likely benign for BAP1-related tumor predisposition syndrome. Last evaluated: 2024-11-05. Review status: criteria provided, single submitter. Criteria: Invitae Variant Classification Sherloc (09022015). Collection method: clinical testing. Allele origin: germline.

Myriad Genetics, Inc.
Classification: Benign for BAP1-related tumor predisposition syndrome. Last evaluated: 2024-07-17. Review status: criteria provided, single submitter. Criteria: Myriad Autosomal Dominant, Autosomal Recessive and X-Linked Classification Criteria (2023). Collection method: clinical testing. Allele origin: unknown.
Comment: This variant is considered benign. This variant is a silent/synonymous amino acid change and it is not expected to impact splicing.

Ambry Genetics
Classification: Likely benign for Hereditary cancer-predisposing syndrome. Last evaluated: 2019-08-06. Review status: criteria provided, single submitter. Criteria: Ambry Variant Classification Scheme 2023. Collection method: clinical testing. Allele origin: germline.